The following is an entry in ClinVar:

ClinVar aggregate classification (germline): Uncertain significance (1 of 4 stars; one submission).

Submission:

Mayo Clinic Laboratories, Mayo Clinic
Classification: Uncertain significance. Last evaluated: 2025-03-07. Review status: criteria provided, single submitter. Criteria: ACMG Guidelines, 2015. Collection method: clinical testing. Allele origin: germline. Observed: 1 variant allele.
Comment: BP4, PM2_supporting

NM_000263.4(NAGLU):c.899T>G (p.Ile300Ser)

Gene: NAGLU (N-acetyl-alpha-glucosaminidase; plus strand). Cytogenetic location: 17q21.2.
Variant type: single nucleotide variant.
Coding change: c.899T>G on transcript NM_000263.4 (MANE Select); coding-DNA position 899, T replaced by G.
Protein change: p.Ile300Ser; replaces isoleucine 300 with serine.
Molecular consequence: missense variant.
Genome position (GRCh38, 1-based): chr17:42,541,084, T>G. VCF-style: chr17-42541084-T-G. GRCh37 (hg19) VCF-style: chr17-40693102-T-G.
Other names: p.Ile300Ser; short protein forms I300S.
Identifiers: ClinVar variation 4542156 (VCV004542156.1).
Genomic context (GRCh38, chr17:42,541,084, plus strand): 5'-TTCTGGCTCCGGAAGACCCCATATTCCCCATCATCGGGAGCCTCTTCCTGCGAGAGCTGA[T>G]CAAAGAGTTTGGCACAGACCACATCTATGGGGCCGACACTTTCAATGAGATGCAGCCACC-3'
Protein context (NP_000254.2, residues 290-310): IIGSLFLREL[Ile300Ser]KEFGTDHIYG